The following is an entry in ClinVar:

ClinVar aggregate classification (germline): Likely pathogenic (1 of 4 stars; one submission).

Conditions:
Sjögren-Larsson syndrome (SLS). Also called: FALDH DEFICIENCY; FATTY ALCOHOL:NAD+ OXIDOREDUCTASE DEFICIENCY; FATTY ALDEHYDE DEHYDROGENASE DEFICIENCY; ICHTHYOSIS, SPASTIC NEUROLOGIC DISORDER, AND OLIGOPHRENIA. Identifiers: Orphanet 816, MedGen C0037231, MONDO:0010031, OMIM 270200.

Submission:

Natera, Inc.
Classification: Likely pathogenic for Sjögren-Larsson syndrome. Last evaluated: 2025-01-17. Review status: criteria provided, single submitter. Criteria: Natera Variant Classification Schema (03/2026). Collection method: clinical testing. Allele origin: germline.
Comment: The c.1040del variant in ALDH3A2 is a frameshift variant predicted to shift the reading frame beginning at codon 347 and leads to a stop codon 3 codons downstream. This variant is expected to result in nonsense mediated decay, truncation, or a dysfunctional protein product. This variant is rare in the general population with a frequency below the threshold expected for the associated phenotype(s). Given the available evidence, this variant is classified as Likely Pathogenic.

NM_000382.3(ALDH3A2):c.1040del (p.Glu347fs)

Gene: ALDH3A2 (aldehyde dehydrogenase 3 family member A2; plus strand). Cytogenetic location: 17p11.2.
Variant type: Deletion.
Coding change: c.1040del on transcript NM_000382.3 (MANE Select); coding-DNA position 1040, one base deleted (A; older notation c.1040delA).
Protein change: p.Glu347fs; shifts the reading frame from glutamic acid 347.
Molecular consequence: frameshift variant.
Genome position (GRCh38, 1-based): chr17:19,663,432, A deleted. VCF-style (leftmost placement, unchanged base first): chr17-19663431-GA-G. GRCh37 (hg19) VCF-style: chr17-19566744-GA-G.
Other names: c.461del, p.Glu154fs (NM_001369148.2); c.1040del, p.Glu347fs (NM_001031806.2, NM_001369136.1, NM_001369137.2 and 3 more transcripts); short protein forms E154fs, E347fs.
Identifiers: ClinVar variation 4069862 (VCV004069862.2).